The following is an entry in ClinVar:

ClinVar aggregate classification (germline): Uncertain significance (1 of 4 stars; one submission).

Conditions:
Hereditary cancer-predisposing syndrome. Also called: Neoplastic Syndromes, Hereditary; Tumor predisposition; Hereditary Cancer Syndrome; Hereditary neoplastic syndrome. Identifiers: Orphanet 140162, MedGen C0027672, MeSH D009386, MONDO:0015356.

Submission:

Ambry Genetics
Classification: Uncertain significance for Hereditary cancer-predisposing syndrome. Last evaluated: 2021-11-15. Review status: criteria provided, single submitter. Criteria: Ambry Variant Classification Scheme 2023. Collection method: clinical testing. Allele origin: germline.
Comment: The c.8755-5C>T intronic variant results from a C to T substitution 5 nucleotides upstream from coding exon 21 in the BRCA2 gene. This nucleotide position is not well conserved in available vertebrate species. This variant is considered to be rare based on population cohorts in the Genome Aggregation Database (gnomAD). In silico splice site analysis predicts that this alteration will not have any significant effect on splicing; however, direct evidence is insufficient at this time (Ambry internal data). Since supporting evidence is limited at this time, the clinical significance of this alteration remains unclear.

NM_000059.4(BRCA2):c.8755-5C>T

Gene: BRCA2 (BRCA2 DNA repair associated; plus strand). Cytogenetic location: 13q13.1.
Variant type: single nucleotide variant.
Coding change: c.8755-5C>T on transcript NM_000059.4 (MANE Select); 5 bases into the intron before coding-DNA position 8755, C replaced by T.
Molecular consequence: intron variant.
Genome position (GRCh38, 1-based): chr13:32,379,312, C>T. VCF-style: chr13-32379312-C-T. GRCh37 (hg19) VCF-style: chr13-32953449-C-T.
Identifiers: ClinVar variation 1764550 (VCV001764550.2), dbSNP rs2137618798, ClinGen allele CA2580087451.
Genomic context (GRCh38, chr13:32,379,312, plus strand): 5'-AGTTACAATAGATGGAACTTTTTTGTTCTGATTGCTTTTTATTCCAATATCTTAAATGGT[C>T]ACAGGGTTATTTCAGTGAAGAGCAGTTAAGAGCCTTGAATAATCACAGGCAAATGTTGAA-3'